The following is an entry in ClinVar:

ClinVar aggregate classification (germline): Conflicting classifications of pathogenicity. Review status: criteria provided, conflicting classifications (1 of 4 stars). 3 submissions from 3 submitters: Uncertain significance (2); Likely benign (1). Last evaluated 2025-04-15.

Allele frequency attached by ClinVar (database versions not stated): TOPMed 0.00004; ExAC 0.00013; 1000 Genomes Project 30x 0.00016; 1000 Genomes Project 0.00020.
gnomAD v4.1: 144 of 1,613,890 alleles (0.0089%); highest among the groups gnomAD compares: Admixed American, 0.01%; no homozygotes.

Submissions (3):

GeneDx
Classification: Uncertain significance. Last evaluated: 2025-04-15. Review status: criteria provided, single submitter. Criteria: GeneDx Variant Classification Process June 2021. Collection method: clinical testing. Allele origin: germline. Affected: yes.
Comment: Reported in the heterozygous state in a patient with suspected Gitelman syndrome in published literature (PMID: 36302598); In silico analysis indicates that this missense variant does not alter protein structure/function; This variant is associated with the following publications: (PMID: 17329572)

Blueprint Genetics
Classification: Uncertain significance. Last evaluated: 2024-05-21. Review status: criteria provided, single submitter. Criteria: ACMG Guidelines, 2015. Collection method: clinical testing. Allele origin: germline.

Labcorp Genetics (formerly Invitae), Labcorp
Classification: Likely benign. Last evaluated: 2023-10-20. Review status: criteria provided, single submitter. Criteria: Invitae Variant Classification Sherloc (09022015). Collection method: clinical testing. Allele origin: germline.

NM_001126108.2(SLC12A3):c.2903G>A (p.Arg968Gln)

Gene: SLC12A3 (solute carrier family 12 member 3; plus strand). Cytogenetic location: 16q13.
Variant type: single nucleotide variant.
Coding change: c.2903G>A on transcript NM_001126108.2 (MANE Select); coding-DNA position 2903, G replaced by A.
Protein change: p.Arg968Gln; replaces arginine 968 with glutamine.
Molecular consequence: missense variant.
Genome position (GRCh38, 1-based): chr16:56,904,441, G>A. VCF-style: chr16-56904441-G-A. GRCh37 (hg19) VCF-style: chr16-56938353-G-A.
Other names: c.2930G>A (NM_000339.2); c.2930G>A, p.Arg977Gln (NM_000339.3); c.2927G>A, p.Arg976Gln (NM_001126107.2); c.2900G>A, p.Arg967Gln (NM_001410896.1); short protein forms R967Q, R976Q, R977Q, R968Q.
Identifiers: ClinVar variation 2137832 (VCV002137832.6), dbSNP rs186979818, ClinGen allele CA8070142.